The following is an entry in ClinVar:

NM_030662.4(MAP2K2):c.-42C>T

Genes: MAP2K2 (mitogen-activated protein kinase kinase 2; minus strand), LOC130063193 (ATAC-STARR-seq lymphoblastoid silent region 9881; plus strand). Cytogenetic location: 19p13.3.
Variant type: single nucleotide variant.
Coding change: c.-42C>T on transcript NM_030662.4 (MANE Select); 42 bases upstream of the start codon, C replaced by T.
Molecular consequence: 5 prime UTR variant.
Genome position (GRCh38, 1-based): chr19:4,123,917, G>A on the plus strand (C>T on the coding strand, the complement: MAP2K2 is on the minus strand). VCF-style: chr19-4123917-G-A. GRCh37 (hg19) VCF-style: chr19-4123914-G-A.
Identifiers: ClinVar variation 279926 (VCV000279926.1), dbSNP rs886041258, ClinGen allele CA10603451.

ClinVar aggregate classification (germline): Likely benign (1 of 4 stars; one submission).

Allele frequency attached by ClinVar (database versions not stated): gnomAD 0.00001; gnomAD exomes 0.00001; TOPMed 0.00002.
gnomAD v4.1: 7 of 1,227,652 alleles (0.00057%); highest among the groups gnomAD compares: Non-Finnish European, 0.00073%; no homozygotes.

Submission:

GeneDx
Classification: Likely benign. Last evaluated: 2017-01-18. Review status: criteria provided, single submitter. Criteria: GeneDx Variant Classification (06012015). Collection method: clinical testing. Allele origin: germline. Affected: yes.
Comment: This variant is considered likely benign or benign based on one or more of the following criteria: it is a conservative change, it occurs at a poorly conserved position in the protein, it is predicted to be benign by multiple in silico algorithms, and/or has population frequency not consistent with disease.